The following is an entry in ClinVar:

NM_000553.6(WRN):c.669_693del (p.Ile223fs)

Gene: WRN (WRN RecQ like helicase; plus strand). Cytogenetic location: 8p12.
Variant type: Deletion.
Coding change: c.669_693del on transcript NM_000553.6 (MANE Select); coding-DNA positions 669 to 693, 25 bases deleted (TTACCGAAATTTAGAGATTTTGGAT).
Protein change: p.Ile223fs; shifts the reading frame from isoleucine 223.
Molecular consequence: frameshift variant.
Genome position (GRCh38, 1-based): chr8:31,068,272-31,068,296, TTACCGAAATTTAGAGATTTTGGAT deleted; deleting any 25 consecutive bases within chr8:31,068,270-31,068,296 gives the same sequence; the c. name uses the placement nearest the transcript's 3' end. VCF-style (leftmost placement, unchanged base first): chr8-31068269-TATTTACCGAAATTTAGAGATTTTGG-T. GRCh37 (hg19) VCF-style: chr8-30925785-TATTTACCGAAATTTAGAGATTTTGG-T.
Other names: short protein forms I223fs.
Identifiers: ClinVar variation 2732741 (VCV002732741.3), dbSNP rs2535889381, ClinGen allele CA2697549824.

ClinVar aggregate classification (germline): Pathogenic (1 of 4 stars; one submission).

Conditions:
Werner syndrome (WRN). Identifiers: Orphanet 902, MedGen C0043119, MONDO:0010196, OMIM 277700.

Submission:

Labcorp Genetics (formerly Invitae), Labcorp
Classification: Pathogenic for Werner syndrome. Last evaluated: 2023-06-29. Review status: criteria provided, single submitter. Criteria: Invitae Variant Classification Sherloc (09022015). Collection method: clinical testing. Allele origin: germline.
Comment: For these reasons, this variant has been classified as Pathogenic. Algorithms developed to predict the effect of sequence changes on RNA splicing suggest that this variant may disrupt the consensus splice site. This variant has not been reported in the literature in individuals affected with WRN-related conditions. This variant is not present in population databases (gnomAD no frequency). This sequence change creates a premature translational stop signal (p.Ile223Metfs*9) in the WRN gene. It is expected to result in an absent or disrupted protein product. Loss-of-function variants in WRN are known to be pathogenic (PMID: 16673358).

Literature cited by the submitters: PubMed 16673358.